The following is an entry in ClinVar:

ClinVar aggregate classification (germline): Uncertain significance (1 of 4 stars; one submission).

Conditions:
Werner syndrome (WRN). Identifiers: Orphanet 902, MedGen C0043119, MONDO:0010196, OMIM 277700.

Submission:

Labcorp Genetics (formerly Invitae), Labcorp
Classification: Uncertain significance for Werner syndrome. Last evaluated: 2025-04-07. Review status: criteria provided, single submitter. Criteria: Invitae Variant Classification Sherloc (09022015). Collection method: clinical testing. Allele origin: germline.
Comment: This sequence change replaces arginine, which is basic and polar, with isoleucine, which is neutral and non-polar, at codon 721 of the WRN protein (p.Arg721Ile). This variant is not present in population databases (gnomAD no frequency). This variant has not been reported in the literature in individuals affected with WRN-related conditions. ClinVar contains an entry for this variant (Variation ID: 458409). An algorithm developed to predict the effect of missense changes on protein structure and function (PolyPhen-2) suggests that this variant is likely to be tolerated. In summary, the available evidence is currently insufficient to determine the role of this variant in disease. Therefore, it has been classified as a Variant of Uncertain Significance.

NM_000553.6(WRN):c.2162G>T (p.Arg721Ile)

Gene: WRN (WRN RecQ like helicase; plus strand). Cytogenetic location: 8p12.
Variant type: single nucleotide variant.
Coding change: c.2162G>T on transcript NM_000553.6 (MANE Select); coding-DNA position 2162, G replaced by T.
Protein change: p.Arg721Ile; replaces arginine 721 with isoleucine.
Molecular consequence: missense variant.
Genome position (GRCh38, 1-based): chr8:31,111,688, G>T. VCF-style: chr8-31111688-G-T. GRCh37 (hg19) VCF-style: chr8-30969204-G-T.
Other names: short protein forms R721I.
Identifiers: ClinVar variation 458409 (VCV000458409.3), dbSNP rs1554526744, ClinGen allele CA370912628.
Genomic context (GRCh38, chr8:31,111,688, plus strand): 5'-CACTTACTGCTACTGCAAGTTCTTCAATCCGGGAAGACATTGTACGTTGCTTAAATCTGA[G>T]AAATCCTCAGATCACCTGTACTGGTTTTGATCGACCAAACCTGTATTTAGAAGTTAGGCG-3'
Protein context (NP_000544.2, residues 711-731): REDIVRCLNL[Arg721Ile]NPQITCTGFD